The following is an entry in ClinVar:

NM_004656.4(BAP1):c.254_255+15del

Gene: BAP1 (BRCA1 associated deubiquitinase 1; minus strand). Cytogenetic location: 3p21.1.
Variant type: Deletion.
Coding change: c.254_255+15del on transcript NM_004656.4 (MANE Select); coding-DNA position 254 through 15 bases into the intron after coding-DNA position 255, 17 bases deleted (AGGTCTGCTGGACTCTG).
Molecular consequence: splice donor variant.
Genome position (GRCh38, 1-based): chr3:52,408,459-52,408,475, CAGAGTCCAGCAGACCT deleted on the plus strand (AGGTCTGCTGGACTCTG on the coding strand, the reverse complement: BAP1 is on the minus strand). VCF-style (leftmost placement, unchanged base first): chr3-52408458-ACAGAGTCCAGCAGACCT-A. GRCh37 (hg19) VCF-style: chr3-52442474-ACAGAGTCCAGCAGACCT-A.
Identifiers: ClinVar variation 582179 (VCV000582179.7), dbSNP rs1559591511, ClinGen allele CA891842664.

ClinVar aggregate classification (germline): Likely pathogenic (1 of 4 stars; one submission).

Conditions:
BAP1-related tumor predisposition syndrome (TPDS1). Also called: BAP1 tumor predisposition syndrome; COMMON Syndrome; TUMOR PREDISPOSITION SYNDROME 1; Tumor susceptibility linked to germline BAP1 mutations. Identifiers: Orphanet 289539, MedGen C3280492, MONDO:0013692, OMIM 614327.

Submission:

Labcorp Genetics (formerly Invitae), Labcorp
Classification: Likely pathogenic for BAP1-related tumor predisposition syndrome. Last evaluated: 2022-12-05. Review status: criteria provided, single submitter. Criteria: Invitae Variant Classification Sherloc (09022015). Collection method: clinical testing. Allele origin: germline.
Comment: This variant results in the deletion of c.254_255+15del of the BAP1 gene. It is expected to disrupt RNA splicing. Variants that disrupt the donor or acceptor splice site typically lead to a loss of protein function (PMID: 16199547), and loss-of-function variants in BAP1 are known to be pathogenic (PMID: 21874000, 23684012). This variant is not present in population databases (gnomAD no frequency). This variant has not been reported in the literature in individuals affected with BAP1-related conditions. ClinVar contains an entry for this variant (Variation ID: 582179). Algorithms developed to predict the effect of sequence changes on RNA splicing suggest that this variant may disrupt the consensus splice site. In summary, the currently available evidence indicates that the variant is pathogenic, but additional data are needed to prove that conclusively. Therefore, this variant has been classified as Likely Pathogenic.

Literature cited by the submitters: PubMed 16199547; PubMed 21874000; PubMed 23684012.